The following is an entry in ClinVar:

NM_001854.4(COL11A1):c.4140+8A>T

Gene: COL11A1 (collagen type XI alpha 1 chain; minus strand). Cytogenetic location: 1p21.1.
Variant type: single nucleotide variant.
Coding change: c.4140+8A>T on transcript NM_001854.4 (MANE Select); 8 bases into the intron after coding-DNA position 4140, A replaced by T.
Molecular consequence: intron variant.
Genome position (GRCh38, 1-based): chr1:102,898,933, T>A on the plus strand (A>T on the coding strand, the complement: COL11A1 is on the minus strand). VCF-style: chr1-102898933-T-A. GRCh37 (hg19) VCF-style: chr1-103364489-T-A.
Other names: c.4023+8A>T (NM_001190709.2); c.4176+8A>T (NM_080629.3); c.3792+8A>T (NM_080630.4).
Identifiers: ClinVar variation 2581006 (VCV002581006.1), dbSNP rs2524338664, ClinGen allele CA2580618189.

ClinVar aggregate classification (germline): Uncertain significance (1 of 4 stars; one submission).

Conditions:
Stickler syndrome type 2 (STL2). Also called: STICKLER SYNDROME, TYPE II; STICKLER SYNDROME, BEADED VITREOUS TYPE; COL11A1-Related Stickler Syndrome; STICKLER SYNDROME, VITREOUS TYPE 2. Identifiers: Orphanet 828, Orphanet 90654, MedGen C1858084, MONDO:0011493, OMIM 604841.

Submission:

Dr. med. U. Finckh, Human Genetics, Eurofins MVZ
Classification: Uncertain significance for Stickler syndrome type 2. Last evaluated: 2021-03-26. Review status: criteria provided, single submitter. Criteria: ACMG Guidelines, 2015. Collection method: clinical testing. Allele origin: unknown. Observed: 1 heterozygote.
Comment: The variant is not present in gnomAD. Splice prediction tools are not supportive of a splicing defect. The variant is classified as VUS.